The following is an entry in ClinVar:

NM_001145809.2(MYH14):c.1149T>C (p.Phe383=)

Gene: MYH14 (myosin heavy chain 14; plus strand). Cytogenetic location: 19q13.33.
Variant type: single nucleotide variant.
Coding change: c.1149T>C on transcript NM_001145809.2 (MANE Select); coding-DNA position 1149, T replaced by C.
Protein change: p.Phe383=; no amino-acid change (phenylalanine 383 retained).
Molecular consequence: synonymous variant.
Genome position (GRCh38, 1-based): chr19:50,244,276, T>C. VCF-style: chr19-50244276-T-C. GRCh37 (hg19) VCF-style: chr19-50747533-T-C.
Other names: p.Phe375=; c.1149T>C, p.Phe383= (NM_001077186.2); c.1125T>C, p.Phe375= (NM_024729.4).
Identifiers: ClinVar variation 44046 (VCV000044046.18), dbSNP rs61734424, ClinGen allele CA133455.

ClinVar aggregate classification (germline): Benign. Review status: criteria provided, multiple submitters, no conflicts (2 of 4 stars). 7 submissions from 7 submitters: Benign (7). Last evaluated 2026-02-01.

Conditions:
Autosomal dominant nonsyndromic hearing loss 4A. Also called: Deafness, autosomal dominant 4A. Identifiers: Orphanet 90635, MedGen C1833503, MONDO:0010915, OMIM 600652.

Allele frequency attached by ClinVar (database versions not stated): TOPMed 0.06551; gnomAD exomes 0.04105 and 0.06526; ESP Exome Variant Server 0.04828; ExAC 0.05955; gnomAD 0.06046 and 0.06194; 1000 Genomes Project 30x 0.06168; 1000 Genomes Project 0.06190.
gnomAD v4.1: 69,398 of 1,613,776 alleles (4.3%); highest among the groups gnomAD compares: Admixed American, 17%; 2,561 homozygotes.

Submissions (7):

Labcorp Genetics (formerly Invitae), Labcorp
Classification: Benign. Last evaluated: 2026-02-01. Review status: criteria provided, single submitter. Criteria: Invitae Variant Classification Sherloc (09022015). Collection method: clinical testing. Allele origin: germline.

Mayo Clinic Laboratories, Mayo Clinic
Classification: Benign. Last evaluated: 2022-05-09. Review status: criteria provided, single submitter. Criteria: ACMG Guidelines, 2015. Collection method: clinical testing. Allele origin: germline. Observed: 112 variant alleles.

Illumina Laboratory Services, Illumina
Classification: Benign for Autosomal dominant nonsyndromic hearing loss 4A. Last evaluated: 2018-01-13. Review status: criteria provided, single submitter. Criteria: ICSL Variant Classification Criteria 13 December 2019. Collection method: clinical testing. Allele origin: germline.
Comment: This variant was observed in the ICSL laboratory as part of a predisposition screen in an ostensibly healthy population. It had not been previously curated by ICSL or reported in the Human Gene Mutation Database (HGMD: prior to June 1st, 2018), and was therefore a candidate for classification through an automated scoring system. Utilizing variant allele frequency, disease prevalence and penetrance estimates, and inheritance mode, an automated score was calculated to assess if this variant is too frequent to cause the disease. Based on the score and internal cut-off values, a variant classified as benign is not then subjected to further curation. The score for this variant resulted in a classification of benign for this disease.

GeneDx
Classification: Benign. Last evaluated: 2017-08-31. Review status: criteria provided, single submitter. Criteria: GeneDx Variant Classification (06012015). Collection method: clinical testing. Allele origin: germline. Affected: yes.
Comment: This variant is considered likely benign or benign based on one or more of the following criteria: it is a conservative change, it occurs at a poorly conserved position in the protein, it is predicted to be benign by multiple in silico algorithms, and/or has population frequency not consistent with disease.

Laboratory for Molecular Medicine, Mass General Brigham Personalized Medicine
Classification: Benign. Last evaluated: 2012-05-07. Review status: criteria provided, single submitter. Criteria: LMM Criteria. Collection method: clinical testing. Allele origin: germline. Observed: 167 variant alleles.
Comment: "Phe383Phe in Exon 11 of MYH14: This variant is not expected to have clinical si gnificance because it does not alter an amino acid residue, is not located withi n the splice consensus sequence, and has been identified in 8.1% (292/3598) of A frican American chromosomes from a broad population by the NHLBI Exome Sequencin g Project (dbSNP rs61734424)."

Breakthrough Genomics
Classification: Benign. Review status: criteria provided, single submitter. Criteria: ACMG Guidelines, 2015. Collection method: not provided. Allele origin: germline. Inheritance: Autosomal dominant inheritance. Affected: yes.

PreventionGenetics, part of Exact Sciences
Classification: Benign. Review status: criteria provided, single submitter. Criteria: ACMG Guidelines, 2015. Collection method: clinical testing. Allele origin: germline.